The following is an entry in ClinVar:

NM_003327.4(TNFRSF4):c.437+4A>G

Gene: TNFRSF4 (TNF receptor superfamily member 4; minus strand). Cytogenetic location: 1p36.33.
Variant type: single nucleotide variant.
Coding change: c.437+4A>G on transcript NM_003327.4 (MANE Select); 4 bases into the intron after coding-DNA position 437, A replaced by G.
Molecular consequence: intron variant.
Genome position (GRCh38, 1-based): chr1:1,212,634, T>C on the plus strand (A>G on the coding strand, the complement: TNFRSF4 is on the minus strand). VCF-style: chr1-1212634-T-C. GRCh37 (hg19) VCF-style: chr1-1148014-T-C.
Other names: c.437+4A>G (NM_001410709.1).
Identifiers: ClinVar variation 4808067 (VCV004808067.1).

ClinVar aggregate classification (germline): Uncertain significance (1 of 4 stars; one submission).

Conditions:
Combined immunodeficiency due to OX40 deficiency. Also called: OX40 DEFICIENCY; Immunodeficiency 16. Identifiers: Orphanet 431149, MedGen C3810053, MONDO:0014268, OMIM 615593.

Submission:

Labcorp Genetics (formerly Invitae), Labcorp
Classification: Uncertain significance for Combined immunodeficiency due to OX40 deficiency. Last evaluated: 2025-04-10. Review status: criteria provided, single submitter. Criteria: Invitae Variant Classification Sherloc (09022015). Collection method: clinical testing. Allele origin: germline.
Comment: This sequence change falls in intron 4 of the TNFRSF4 gene. It does not directly change the encoded amino acid sequence of the TNFRSF4 protein. It affects a nucleotide within the consensus splice site. This variant is not present in population databases (gnomAD no frequency). This variant has not been reported in the literature in individuals affected with TNFRSF4-related conditions. Variants that disrupt the consensus splice site are a relatively common cause of aberrant splicing (PMID: 17576681, 9536098). Algorithms developed to predict the effect of sequence changes on RNA splicing suggest that this variant may disrupt the consensus splice site. In summary, the available evidence is currently insufficient to determine the role of this variant in disease. Therefore, it has been classified as a Variant of Uncertain Significance.

Literature cited by the submitters: PubMed 17576681; PubMed 9536098.